The following is an entry in ClinVar:

ClinVar aggregate classification (germline): Uncertain significance (1 of 4 stars; one submission).

Conditions:
Familial cancer of breast. Also called: BREAST CANCER, FAMILIAL; Hereditary breast cancer; hereditary breast carcinoma. Identifiers: Orphanet 227535, MedGen C0346153, MONDO:0016419, OMIM 114480. Disease mechanism: loss of function.

gnomAD v4.1: 1 of 1,614,152 alleles (0.000062%); highest among the groups gnomAD compares: South Asian, 0.0011%; no homozygotes.

Submission:

Labcorp Genetics (formerly Invitae), Labcorp
Classification: Uncertain significance for Familial cancer of breast. Last evaluated: 2020-06-17. Review status: criteria provided, single submitter. Criteria: Invitae Variant Classification Sherloc (09022015). Collection method: clinical testing. Allele origin: germline.
Comment: This sequence change replaces lysine with glutamic acid at codon 177 of the CHEK2 protein (p.Lys177Glu). The lysine residue is highly conserved and there is a small physicochemical difference between lysine and glutamic acid. This variant is not present in population databases (ExAC no frequency). This variant has not been reported in the literature in individuals with CHEK2-related disease. Algorithms developed to predict the effect of missense changes on protein structure and function do not agree on the potential impact of this missense change (SIFT: "Deleterious"; PolyPhen-2: "Possibly Damaging"; Align-GVGD: "Class C15"). In summary, the available evidence is currently insufficient to determine the role of this variant in disease. Therefore, it has been classified as a Variant of Uncertain Significance.

NM_007194.4(CHEK2):c.529A>G (p.Lys177Glu)

Gene: CHEK2 (checkpoint kinase 2; minus strand). Cytogenetic location: 22q12.1.
Variant type: single nucleotide variant.
Coding change: c.529A>G on transcript NM_007194.4 (MANE Select); coding-DNA position 529, A replaced by G.
Protein change: p.Lys177Glu; replaces lysine 177 with glutamic acid.
Molecular consequence: missense variant. On other transcripts: 5 prime UTR variant (2), intron variant (1).
Genome position (GRCh38, 1-based): chr22:28,725,040, T>C on the plus strand (A>G on the coding strand, the complement: CHEK2 is on the minus strand). VCF-style: chr22-28725040-T-C. GRCh37 (hg19) VCF-style: chr22-29121028-T-C.
Other names: c.658A>G, p.Lys220Glu (NM_001005735.3, NM_001438294.1); c.-249A>G (NM_001257387.3); c.-135A>G (NM_001437942.1); c.622A>G, p.Lys208Glu (NM_001438293.1, NM_001438295.1); c.529A>G, p.Lys177Glu (NM_145862.3); c.445-117A>G (NM_001349956.3); short protein forms K177E, K220E, K208E.
Identifiers: ClinVar variation 530068 (VCV000530068.9), dbSNP rs796389290, ClinGen allele CA411107296.